The following is an entry in ClinVar:

NM_000092.5(COL4A4):c.1444_1446delinsTC (p.Pro482fs)

Gene: COL4A4 (collagen type IV alpha 4 chain; minus strand). Cytogenetic location: 2q36.3.
Variant type: Indel.
Coding change: c.1444_1446delinsTC on transcript NM_000092.5 (MANE Select); coding-DNA positions 1444 to 1446, CCA replaced by TC.
Protein change: p.Pro482fs; shifts the reading frame from proline 482.
Molecular consequence: frameshift variant.
Genome position (GRCh38, 1-based): chr2:227,089,881-227,089,883, TGG replaced by GA on the plus strand (CCA replaced by TC on the coding strand, the reverse complement: COL4A4 is on the minus strand). VCF-style: chr2-227089881-TGG-GA. GRCh37 (hg19) VCF-style: chr2-227954597-TGG-GA.
Other names: short protein forms P482fs.
Identifiers: ClinVar variation 1724941 (VCV001724941.2), dbSNP rs2475082705, ClinGen allele CA2580065877.

ClinVar aggregate classification (germline): Likely pathogenic (1 of 4 stars; one submission).

Conditions:
Autosomal recessive Alport syndrome (ATS2). Also called: COL4A3-Related Nephropathy; COL4A4 Alport Syndrome and Thin Basement Membrane Nephropathy; ALPORT SYNDROME 2, AUTOSOMAL RECESSIVE; Alport syndrome type 2. Identifiers: Orphanet 63, Orphanet 88919, MedGen C4746745, MONDO:0008762, OMIM 203780.

Submission:

Myriad Genetics, Inc.
Classification: Likely pathogenic for Autosomal recessive Alport syndrome. Last evaluated: 2021-11-25. Review status: criteria provided, single submitter. Criteria: Myriad Women's Health Autosomal Recessive and X-Linked Classification Criteria (2021). Collection method: clinical testing. Allele origin: unknown.
Comment: NM_000092.4(COL4A4):c.1444_1446delCCAinsTC(P482Sfs*171) is expected to be pathogenic in the context of COL4A4-related Alport syndrome. This variant is predicted to lead to an abnormal or absent protein product due to the creation of a premature termination codon in COL4A4, a gene where loss-of-function variants are known to be pathogenic. Please note: this variant was assessed in the context of healthy population screening.